The following is an entry in ClinVar:

NM_003098.3(SNTA1):c.1394T>C (p.Phe465Ser)

Gene: SNTA1 (syntrophin alpha 1; minus strand). Cytogenetic location: 20q11.21.
Variant type: single nucleotide variant.
Coding change: c.1394T>C on transcript NM_003098.3 (MANE Select); coding-DNA position 1394, T replaced by C.
Protein change: p.Phe465Ser; replaces phenylalanine 465 with serine.
Molecular consequence: missense variant.
Genome position (GRCh38, 1-based): chr20:33,408,732, A>G on the plus strand (T>C on the coding strand, the complement: SNTA1 is on the minus strand). VCF-style: chr20-33408732-A-G. GRCh37 (hg19) VCF-style: chr20-31996538-A-G.
Other names: p.F465S:TTC>TCC; short protein forms F465S.
Identifiers: ClinVar variation 190925 (VCV000190925.7), dbSNP rs774908810, ClinGen allele CA302303.
Genomic context (GRCh38, chr20:33,408,732, plus strand): 5'-CCAGGGTGCAGAGGCAGCCCCTCACTCACGATCTCGCCTTCAGCACCTCCAAAATCCAGG[A>G]AAAGGAGACTGGCACCGTCATCTGAAGACATCTGCAGCTTCTCGAAGGGCTGTCGCAGGA-3'
Protein context (NP_003089.1, residues 455-475): MSSDDGASLL[Phe465Ser]LDFGGAEGEI

ClinVar aggregate classification (germline): Uncertain significance. Review status: criteria provided, multiple submitters, no conflicts (2 of 4 stars). 3 submissions from 3 submitters: Uncertain significance (3). Last evaluated 2025-07-08.

Conditions:
Cardiovascular phenotype. Identifiers: MedGen CN230736.
Long QT syndrome (LQTS). Identifiers: MedGen C0023976, MeSH D008133, MONDO:0002442. Disease mechanism: loss of function. Inheritance: Various modes of inheritance.

Allele frequency attached by ClinVar (database versions not stated): TOPMed below 0.00001; ExAC 0.00001; gnomAD exomes 0.00001.
gnomAD v4.1: 7 of 1,614,054 alleles (0.00043%); highest among the groups gnomAD compares: Non-Finnish European, 0.00059%; no homozygotes.

Submissions (3):

Labcorp Genetics (formerly Invitae), Labcorp
Classification: Uncertain significance for Long QT syndrome. Last evaluated: 2025-07-08. Review status: criteria provided, single submitter. Criteria: Invitae Variant Classification Sherloc (09022015). Collection method: clinical testing. Allele origin: germline.
Comment: This sequence change replaces phenylalanine, which is neutral and non-polar, with serine, which is neutral and polar, at codon 465 of the SNTA1 protein (p.Phe465Ser). This variant is present in population databases (rs774908810, gnomAD 0.002%). This variant has not been reported in the literature in individuals affected with SNTA1-related conditions. ClinVar contains an entry for this variant (Variation ID: 190925). Invitae Evidence Modeling of protein sequence and biophysical properties (such as structural, functional, and spatial information, amino acid conservation, physicochemical variation, residue mobility, and thermodynamic stability) indicates that this missense variant is not expected to disrupt SNTA1 protein function with a negative predictive value of 80%. In summary, the available evidence is currently insufficient to determine the role of this variant in disease. Therefore, it has been classified as a Variant of Uncertain Significance.

Ambry Genetics
Classification: Uncertain significance for Cardiovascular phenotype. Last evaluated: 2016-07-13. Review status: criteria provided, single submitter. Criteria: Ambry Variant Classification Scheme 2023. Collection method: clinical testing. Allele origin: germline.
Comment: The p.F465S variant (also known as c.1394T>C), located in coding exon 7 of the SNTA1 gene, results from a T to C substitution at nucleotide position 1394. The phenylalanine at codon 465 is replaced by serine, an amino acid with highly dissimilar properties. This variant was previously reported in the SNPDatabase as rs774908810. Based on data from ExAC, the C allele has an overall frequency less than 0.01% (1/106204). This variant was not reported in population based cohorts in the following databases: NHLBI Exome Sequencing Project (ESP), and 1000 Genomes Project. In the ESP, this variant was not observed in 6503 samples (13006 alleles) with coverage at this position. This amino acid position is not well conserved in available vertebrate species. In addition, the in silico prediction for this alteration is inconclusive. Since supporting evidence is limited at this time, the clinical significance of this alteration remains unclear.

GeneDx
Classification: Uncertain significance. Last evaluated: 2014-04-29. Review status: criteria provided, single submitter. Criteria: GeneDx Variant Classification (06012015). Collection method: clinical testing. Allele origin: germline. Affected: yes.
Comment: The F465S variant has not been published as a mutation, nor has it been reported as a benign polymorphism to our knowledge. The F465S variant was not observed in approximately 6,500 individuals of European and African American ancestry in the NHLBI Exome Sequencing Project, indicating it is not a common benign variant in these populations. The F465S variant is a non-conservative amino acid substitution, which is likely to impact secondary protein structure as these residues differ in polarity, charge, size and/or other properties. This substitution occurs at a position that is conserved across species. In silico analysis predicts this variant is probably damaging to the protein structure/function. A missense mutation in a nearby residue (G460S) has been reported in association with sudden infant death syndrome, supporting the functional importance of this region of the protein. Therefore, based on the currently available information, it is unclear whether this variant is a pathogenic mutation or a rare benign variant. The variant is found in LQT panel(s).